The following is an entry in ClinVar:

ClinVar aggregate classification (germline): Uncertain significance (1 of 4 stars; one submission).

gnomAD v4.1: 1 of 1,546,918 alleles (0.000065%); highest among the groups gnomAD compares: South Asian, 0.0012%; no homozygotes.

Submission:

Labcorp Genetics (formerly Invitae), Labcorp
Classification: Uncertain significance. Last evaluated: 2023-03-16. Review status: criteria provided, single submitter. Criteria: Invitae Variant Classification Sherloc (09022015). Collection method: clinical testing. Allele origin: germline.
Comment: In summary, the available evidence is currently insufficient to determine the role of this variant in disease. Therefore, it has been classified as a Variant of Uncertain Significance. Advanced modeling of protein sequence and biophysical properties (such as structural, functional, and spatial information, amino acid conservation, physicochemical variation, residue mobility, and thermodynamic stability) performed at Invitae indicates that this missense variant is not expected to disrupt FH protein function. This variant has not been reported in the literature in individuals affected with FH-related conditions. This variant is not present in population databases (gnomAD no frequency). This sequence change replaces alanine, which is neutral and non-polar, with glycine, which is neutral and non-polar, at codon 4 of the FH protein (p.Ala4Gly).

NM_000143.4(FH):c.11C>G (p.Ala4Gly)

Gene: FH (fumarate hydratase; minus strand). Cytogenetic location: 1q43.
Variant type: single nucleotide variant.
Coding change: c.11C>G on transcript NM_000143.4 (MANE Select); coding-DNA position 11, C replaced by G.
Protein change: p.Ala4Gly; replaces alanine 4 with glycine.
Molecular consequence: missense variant.
Genome position (GRCh38, 1-based): chr1:241,519,712, G>C on the plus strand (C>G on the coding strand, the complement: FH is on the minus strand). VCF-style: chr1-241519712-G-C. GRCh37 (hg19) VCF-style: chr1-241683012-G-C.
Other names: short protein forms A4G.
Identifiers: ClinVar variation 2846129 (VCV002846129.3), dbSNP rs1252151546, ClinGen allele CA345443093.